The following is an entry in ClinVar:

NM_021922.3(FANCE):c.2T>G (p.Met1Arg)

Genes: FANCE (FA complementation group E; plus strand), LOC129996245 (ATAC-STARR-seq lymphoblastoid silent region 17092; plus strand). Cytogenetic location: 6p21.31.
Variant type: single nucleotide variant.
Coding change: c.2T>G on transcript NM_021922.3 (MANE Select); coding-DNA position 2, T replaced by G.
Protein change: p.Met1Arg; changes the start codon (methionine 1).
Molecular consequence: missense variant, initiator codon variant.
Genome position (GRCh38, 1-based): chr6:35,452,547, T>G. VCF-style: chr6-35452547-T-G. GRCh37 (hg19) VCF-style: chr6-35420324-T-G.
Other names: c.2T>G, p.Met1Arg (NM_001410876.1); short protein forms M1R.
Identifiers: ClinVar variation 4741311 (VCV004741311.1).

ClinVar aggregate classification (germline): Uncertain significance (1 of 4 stars; one submission).

Conditions:
Fanconi anemia complementation group E (FANCE). Also called: FANCE-Related Fanconi Anemia. Identifiers: Orphanet 84, MedGen C3160739, MONDO:0010953, OMIM 600901.

Submission:

Labcorp Genetics (formerly Invitae), Labcorp
Classification: Uncertain significance for Fanconi anemia complementation group E. Last evaluated: 2025-05-26. Review status: criteria provided, single submitter. Criteria: Invitae Variant Classification Sherloc (09022015). Collection method: clinical testing. Allele origin: germline.
Comment: This sequence change affects the initiator codon of the FANCE mRNA. This change may impact translation initiation or efficiency. The next in-frame methionine is located at codon 99. This variant is not present in population databases (gnomAD no frequency). This variant has not been reported in the literature in individuals affected with FANCE-related conditions. Experimental studies and prediction algorithms are not available or were not evaluated, and the functional significance of this variant is currently unknown. In summary, the available evidence is currently insufficient to determine the role of this variant in disease. Therefore, it has been classified as a Variant of Uncertain Significance.